The following is an entry in ClinVar:

NM_005120.3(MED12):c.6207_6218dup (p.Gln2076_Tyr2077insGlnGlnGlnGln)

Gene: MED12 (mediator complex subunit 12; plus strand). Cytogenetic location: Xq13.1.
Variant type: Duplication.
Coding change: c.6207_6218dup on transcript NM_005120.3 (MANE Select); coding-DNA positions 6207 to 6218, 12 bases duplicated (ACAGCAGCAGCA).
Protein change: p.Gln2076_Tyr2077insGlnGlnGlnGln.
Molecular consequence: inframe insertion.
Genome position (GRCh38, 1-based): chrX:71,140,797-71,140,808, ACAGCAGCAGCA duplicated; duplicating any 12 consecutive bases within chrX:71,140,792-71,140,808 gives the same sequence; the c. name uses the placement nearest the transcript's 3' end. VCF-style (leftmost placement, unchanged base first): chrX-71140791-A-ACAGCAACAGCAG. GRCh37 (hg19) VCF-style: chrX-70360641-A-ACAGCAACAGCAG.
Identifiers: ClinVar variation 2109239 (VCV002109239.4), dbSNP rs2519721200, ClinGen allele CA2580101322.

ClinVar aggregate classification (germline): Uncertain significance (1 of 4 stars; one submission).

Conditions:
FG syndrome (FGS). Identifiers: MedGen C0220769, MONDO:0002010.

Submission:

Labcorp Genetics (formerly Invitae), Labcorp
Classification: Uncertain significance for FG syndrome. Last evaluated: 2022-03-11. Review status: criteria provided, single submitter. Criteria: Invitae Variant Classification Sherloc (09022015). Collection method: clinical testing. Allele origin: germline.
Comment: This variant is not present in population databases (gnomAD no frequency). This variant has not been reported in the literature in individuals affected with MED12-related conditions. In summary, the available evidence is currently insufficient to determine the role of this variant in disease. Therefore, it has been classified as a Variant of Uncertain Significance. This variant, c.6207_6218dup, results in the insertion of 4 amino acid(s) of the MED12 protein (p.Gln2073_Gln2076dup), but otherwise preserves the integrity of the reading frame.